The following is an entry in ClinVar:

ClinVar aggregate classification (germline): Uncertain significance. Review status: criteria provided, multiple submitters, no conflicts (2 of 4 stars). 2 submissions from 2 submitters: Uncertain significance (2). Last evaluated 2024-03-27.

Conditions:
Hereditary cancer-predisposing syndrome. Also called: Hereditary neoplastic syndrome; Neoplastic Syndromes, Hereditary; Tumor predisposition; Hereditary Cancer Syndrome. Identifiers: Orphanet 140162, MedGen C0027672, MeSH D009386, MONDO:0015356.

Allele frequency attached by ClinVar (database versions not stated): gnomAD exomes below 0.00001; ExAC 0.00001.
gnomAD v4.1: 1 of 1,614,072 alleles (0.000062%); no homozygotes.

Submissions (2):

Ambry Genetics
Classification: Uncertain significance for Hereditary cancer-predisposing syndrome. Last evaluated: 2024-03-27. Review status: criteria provided, single submitter. Criteria: Ambry Variant Classification Scheme 2023. Collection method: clinical testing. Allele origin: germline.
Comment: The p.D262G variant (also known as c.785A>G), located in coding exon 4 of the MSH3 gene, results from an A to G substitution at nucleotide position 785. The aspartic acid at codon 262 is replaced by glycine, an amino acid with similar properties. This amino acid position is conserved. In addition, this alteration is predicted to be deleterious by in silico analysis. Based on the available evidence, the clinical significance of this alteration remains unclear.

Labcorp Genetics (formerly Invitae), Labcorp
Classification: Uncertain significance. Last evaluated: 2023-08-16. Review status: criteria provided, single submitter. Criteria: Invitae Variant Classification Sherloc (09022015). Collection method: clinical testing. Allele origin: germline.
Comment: This sequence change replaces aspartic acid, which is acidic and polar, with glycine, which is neutral and non-polar, at codon 262 of the MSH3 protein (p.Asp262Gly). This variant is present in population databases (rs761526898, gnomAD 0.0009%). This variant has not been reported in the literature in individuals affected with MSH3-related conditions. ClinVar contains an entry for this variant (Variation ID: 836989). An algorithm developed to predict the effect of missense changes on protein structure and function (PolyPhen-2) suggests that this variant is likely to be disruptive. In summary, the available evidence is currently insufficient to determine the role of this variant in disease. Therefore, it has been classified as a Variant of Uncertain Significance.

NM_002439.5(MSH3):c.785A>G (p.Asp262Gly)

Gene: MSH3 (mutS homolog 3; plus strand). Cytogenetic location: 5q14.1.
Variant type: single nucleotide variant.
Coding change: c.785A>G on transcript NM_002439.5 (MANE Select); coding-DNA position 785, A replaced by G.
Protein change: p.Asp262Gly; replaces aspartic acid 262 with glycine.
Molecular consequence: missense variant.
Genome position (GRCh38, 1-based): chr5:80,670,302, A>G. VCF-style: chr5-80670302-A-G. GRCh37 (hg19) VCF-style: chr5-79966121-A-G.
Other names: c.785A>G (NM_002439.3); short protein forms D262G.
Identifiers: ClinVar variation 836989 (VCV000836989.10), dbSNP rs761526898, ClinGen allele CA3327695.
Genomic context (GRCh38, chr5:80,670,302, plus strand): 5'-AGCACAAAGATGCAGTTTTGTGTGTGGAATGTGGATATAAGTATAGATTCTTTGGGGAAG[A>G]TGCAGAGGTAAGTCGTCTTTTCAGGCACTATTTTATATTTTTCTTGTCTAGCCTTAGATA-3'
Protein context (NP_002430.3, residues 252-272): CGYKYRFFGE[Asp262Gly]AEIAARELNI